The following is an entry in ClinVar:

ClinVar aggregate classification (germline): Pathogenic. Review status: criteria provided, multiple submitters, no conflicts (2 of 4 stars). 2 submissions from 2 submitters: Pathogenic (2). Last evaluated 2022-02-02.

Conditions:
Hereditary cancer-predisposing syndrome. Also called: Neoplastic Syndromes, Hereditary; Tumor predisposition; Hereditary Cancer Syndrome; Hereditary neoplastic syndrome. Identifiers: Orphanet 140162, MedGen C0027672, MeSH D009386, MONDO:0015356.
Hereditary breast ovarian cancer syndrome. Also called: Hereditary breast and/or ovarian cancer syndrome; Hereditary breast and ovarian cancer; Hereditary breast and ovarian cancer syndrome (HBOC); Hereditary breast and ovarian cancer syndrome; Breast and ovarian cancer; BRCA1- and BRCA2-Associated Hereditary Breast and Ovarian Cancer. Identifiers: Orphanet 145, MedGen C0677776, MeSH D061325, MONDO:0003582. Disease mechanism: loss of function.

Submissions (2):

Labcorp Genetics (formerly Invitae), Labcorp
Classification: Pathogenic for Hereditary breast ovarian cancer syndrome. Last evaluated: 2022-02-02. Review status: criteria provided, single submitter. Criteria: Invitae Variant Classification Sherloc (09022015). Collection method: clinical testing. Allele origin: germline.
Comment: For these reasons, this variant has been classified as Pathogenic. This variant has not been reported in the literature in individuals affected with BRCA1-related conditions. This variant is not present in population databases (gnomAD no frequency). This sequence change creates a premature translational stop signal (p.Lys987Asnfs*13) in the BRCA1 gene. It is expected to result in an absent or disrupted protein product. Loss-of-function variants in BRCA1 are known to be pathogenic (PMID: 20104584).

Ambry Genetics
Classification: Pathogenic for Hereditary cancer-predisposing syndrome. Last evaluated: 2017-06-12. Review status: criteria provided, single submitter. Criteria: Ambry Variant Classification Scheme 2023. Collection method: clinical testing. Allele origin: germline.
Comment: The c.2961delG pathogenic mutation, located in coding exon 9 of the BRCA1 gene, results from a deletion of one nucleotide at nucleotide position 2961, causing a translational frameshift with a predicted alternate stop codon (p.K987Nfs*13). This alteration is expected to result in loss of function by premature protein truncation or nonsense-mediated mRNA decay. As such, this alteration is interpreted as a disease-causing mutation.

Literature cited by the submitters: PubMed 20104584 (cited by Labcorp Genetics (formerly Invitae), Labcorp).

NM_007294.4(BRCA1):c.2961del (p.Lys987fs)

Gene: BRCA1 (BRCA1 DNA repair associated; minus strand). Cytogenetic location: 17q21.31.
Variant type: Deletion.
Coding change: c.2961del on transcript NM_007294.4 (MANE Select); coding-DNA position 2961, one base deleted (G; older notation c.2961delG).
Protein change: p.Lys987fs; shifts the reading frame from lysine 987.
Molecular consequence: frameshift variant. On other transcripts: intron variant (137).
Genome position (GRCh38, 1-based): chr17:43,092,570, C deleted on the plus strand (G on the coding strand, the reverse complement: BRCA1 is on the minus strand). VCF-style (leftmost placement, unchanged base first): chr17-43092569-AC-A. GRCh37 (hg19) VCF-style: chr17-41244586-AC-A.
Other names: c.662-1538del (NM_001408446.1, NM_001408435.1, NM_001408448.1 and 6 more transcripts); c.785-1538del (NM_001408401.1, NM_001408396.1, NM_001407985.1 and 13 more transcripts); c.788-1538del (NM_001408472.1, NM_001407990.1, NM_007299.4 and 17 more transcripts); c.788-431del (NM_001407969.1, NM_001407968.1); c.548-1538del (NM_001408494.1); c.665-1538del (NM_001408444.1, NM_001408438.1, NM_001408430.1 and 12 more transcripts); c.671-1538del (NM_001408420.1, NM_001408423.1, NM_001408419.1 and 2 more transcripts); c.578-1538del (NM_001408492.1, NM_001408483.1, NM_001408481.1 and 9 more transcripts); and 41 more; short protein forms K940fs, K987fs, K860fs, K899fs, K917fs, K919fs, K946fs, K984fs.
Identifiers: ClinVar variation 1798175 (VCV001798175.7), dbSNP rs2552179573, ClinGen allele CA2580093932.